The following is an entry in ClinVar:

ClinVar aggregate classification (germline): Likely benign. Review status: criteria provided, single submitter (1 of 4 stars). 2 submissions from 2 submitters: Likely benign (1). 1 of the submissions does not count toward it. Last evaluated 2022-07-20.

Conditions:
ANK1-related disorder. Also called: ANK1-related condition.

Allele frequency attached by ClinVar (database versions not stated): gnomAD exomes below 0.00001; TOPMed below 0.00001; gnomAD 0.00002; 1000 Genomes Project 30x 0.00031; 1000 Genomes Project 0.00040.
gnomAD v4.1: 4 of 1,614,008 alleles (0.00025%); highest among the groups gnomAD compares: Middle Eastern, 0.016%; no homozygotes.

Submissions (2):

Blueprint Genetics
Classification: Likely benign. Last evaluated: 2022-07-20. Review status: criteria provided, single submitter. Criteria: ACMG Guidelines, 2015. Collection method: clinical testing. Allele origin: germline.

PreventionGenetics, part of Exact Sciences
Classification: Likely benign for ANK1-related condition. Last evaluated: 2019-04-01. Review status: no assertion criteria provided. Collection method: clinical testing. Allele origin: germline. Not counted in ClinVar's aggregate classification.
Comment: This variant is classified as likely benign based on ACMG/AMP sequence variant interpretation guidelines (Richards et al. 2015 PMID: 25741868, with internal and published modifications).

NM_000037.4(ANK1):c.1962G>C (p.Leu654=)

Gene: ANK1 (ankyrin 1; minus strand). Cytogenetic location: 8p11.21.
Variant type: single nucleotide variant.
Coding change: c.1962G>C on transcript NM_000037.4 (MANE Select); coding-DNA position 1962, G replaced by C.
Protein change: p.Leu654=; no amino-acid change (leucine 654 retained).
Molecular consequence: synonymous variant.
Genome position (GRCh38, 1-based): chr8:41,708,814, C>G on the plus strand (G>C on the coding strand, the complement: ANK1 is on the minus strand). VCF-style: chr8-41708814-C-G. GRCh37 (hg19) VCF-style: chr8-41566332-C-G.
Other names: c.2061G>C, p.Leu687= (NM_001142446.2); c.1962G>C, p.Leu654= (NM_020475.3, NM_020476.3, NM_020477.3).
Identifiers: ClinVar variation 3047797 (VCV003047797.3), dbSNP rs373227714, ClinGen allele CA4728422.